The following is an entry in ClinVar:

NM_145207.3(AFG2A):c.2088A>C (p.Glu696Asp)

Gene: AFG2A (AFG2 AAA ATPase homolog A; plus strand). Cytogenetic location: 4q28.1.
Variant type: single nucleotide variant.
Coding change: c.2088A>C on transcript NM_145207.3 (MANE Select); coding-DNA position 2088, A replaced by C.
Protein change: p.Glu696Asp; replaces glutamic acid 696 with aspartic acid.
Molecular consequence: missense variant.
Genome position (GRCh38, 1-based): chr4:123,056,395, A>C. VCF-style: chr4-123056395-A-C. GRCh37 (hg19) VCF-style: chr4-123977550-A-C.
Other names: c.2085A>C, p.Glu695Asp (NM_001345856.2); short protein forms E696D, E695D.
Identifiers: ClinVar variation 858797 (VCV000858797.4), dbSNP rs376160539, ClinGen allele CA3070635.

ClinVar aggregate classification (germline): Uncertain significance (1 of 4 stars; one submission).

Conditions:
Microcephaly-intellectual disability-sensorineural hearing loss-epilepsy-abnormal muscle tone syndrome (NEDHSB). Also called: NEURODEVELOPMENTAL DISORDER WITH HEARING LOSS, SEIZURES, AND BRAIN ABNORMALITIES. Identifiers: Orphanet 457351, MedGen C4225276, MONDO:0014698, OMIM 616577.

Allele frequency attached by ClinVar (database versions not stated): gnomAD exomes 0.00002.
gnomAD v4.1: 32 of 1,612,290 alleles (0.002%); highest among the groups gnomAD compares: South Asian, 0.029%; no homozygotes.

Submission:

Labcorp Genetics (formerly Invitae), Labcorp
Classification: Uncertain significance for Microcephaly-intellectual disability-sensorineural hearing loss-epilepsy-abnormal muscle tone syndrome. Last evaluated: 2022-07-26. Review status: criteria provided, single submitter. Criteria: Invitae Variant Classification Sherloc (09022015). Collection method: clinical testing. Allele origin: germline.
Comment: This sequence change replaces glutamic acid, which is acidic and polar, with aspartic acid, which is acidic and polar, at codon 696 of the SPATA5 protein (p.Glu696Asp). This variant is present in population databases (rs376160539, gnomAD 0.07%). This variant has not been reported in the literature in individuals affected with SPATA5-related conditions. ClinVar contains an entry for this variant (Variation ID: 858797). Advanced modeling of protein sequence and biophysical properties (such as structural, functional, and spatial information, amino acid conservation, physicochemical variation, residue mobility, and thermodynamic stability) performed at Invitae indicates that this missense variant is expected to disrupt SPATA5 protein function. In summary, the available evidence is currently insufficient to determine the role of this variant in disease. Therefore, it has been classified as a Variant of Uncertain Significance.